The following is an entry in ClinVar:

NM_006015.6(ARID1A):c.2983T>C (p.Ser995Pro)

Gene: ARID1A (AT-rich interaction domain 1A; plus strand). Cytogenetic location: 1p36.11.
Variant type: single nucleotide variant.
Coding change: c.2983T>C on transcript NM_006015.6 (MANE Select); coding-DNA position 2983, T replaced by C.
Protein change: p.Ser995Pro; replaces serine 995 with proline.
Molecular consequence: missense variant.
Genome position (GRCh38, 1-based): chr1:26,766,561, T>C. VCF-style: chr1-26766561-T-C. GRCh37 (hg19) VCF-style: chr1-27093052-T-C.
Other names: c.2983T>C, p.Ser995Pro (NM_139135.4); short protein forms S995P.
Identifiers: ClinVar variation 2088374 (VCV002088374.4), dbSNP rs777028567, ClinGen allele CA339161433.
Genomic context (GRCh38, chr1:26,766,561, plus strand): 5'-TTAACTCCAGCCACCAAAATGAACAACAAGGCAGATGGGACACCCAAGACAGAATCCAAA[T>C]CCAAGGTAGTGATTTTTGTCTTGACTCCTTTCAACTTTGTGTCCTATCTTTTTCAGTGAT-3'
Protein context (NP_006006.3, residues 985-1005): ADGTPKTESK[Ser995Pro]KKSSSSTTTN

ClinVar aggregate classification (germline): Uncertain significance (1 of 4 stars; one submission).

gnomAD v4.1: 2 of 1,608,916 alleles (0.00012%); highest among the groups gnomAD compares: Non-Finnish European, 0.00017%; no homozygotes.

Submission:

Labcorp Genetics (formerly Invitae), Labcorp
Classification: Uncertain significance. Last evaluated: 2022-08-09. Review status: criteria provided, single submitter. Criteria: Invitae Variant Classification Sherloc (09022015). Collection method: clinical testing. Allele origin: germline.
Comment: In summary, the available evidence is currently insufficient to determine the role of this variant in disease. Therefore, it has been classified as a Variant of Uncertain Significance. Algorithms developed to predict the effect of missense changes on protein structure and function are either unavailable or do not agree on the potential impact of this missense change (SIFT: "Tolerated"; PolyPhen-2: "Not Available"; Align-GVGD: "Class C0"). This variant has not been reported in the literature in individuals affected with ARID1A-related conditions. This variant is not present in population databases (gnomAD no frequency). This sequence change replaces serine, which is neutral and polar, with proline, which is neutral and non-polar, at codon 995 of the ARID1A protein (p.Ser995Pro).